The following is an entry in ClinVar:

NM_005866.4(SIGMAR1):c.61G>C (p.Val21Leu)

Genes: SIGMAR1 (sigma receptor chaperone 1; minus strand), LOC130001681 (ATAC-STARR-seq lymphoblastoid silent region 19853; plus strand). Cytogenetic location: 9p13.3.
Variant type: single nucleotide variant.
Coding change: c.61G>C on transcript NM_005866.4 (MANE Select); coding-DNA position 61, G replaced by C.
Protein change: p.Val21Leu; replaces valine 21 with leucine.
Molecular consequence: missense variant. On other transcripts: 5 prime UTR variant (1), non-coding transcript variant (1).
Genome position (GRCh38, 1-based): chr9:34,637,637, C>G on the plus strand (G>C on the coding strand, the complement: SIGMAR1 is on the minus strand). VCF-style: chr9-34637637-C-G. GRCh37 (hg19) VCF-style: chr9-34637634-C-G.
Other names: c.61G>C, p.Val21Leu (NM_001282205.2, NM_001282207.2, NM_001282208.2 and 2 more transcripts); c.-193G>C (NM_001282206.2); short protein forms V21L.
Identifiers: ClinVar variation 567953 (VCV000567953.11), dbSNP rs1396152845, ClinGen allele CA373275725.

ClinVar aggregate classification (germline): Uncertain significance (1 of 4 stars; one submission).

Conditions:
Autosomal recessive distal spinal muscular atrophy 2. Also called: NEURONOPATHY, DISTAL HEREDITARY MOTOR, JERASH TYPE; NEUROPATHY, DISTAL HEREDITARY MOTOR, JERASH TYPE; SPINAL MUSCULAR ATROPHY, JERASH TYPE; NEUROPATHY, DISTAL HEREDITARY MOTOR, AUTOSOMAL RECESSIVE 2; Hereditary motor neuropathy, Jerash type; Motor neuropathy, distal, Jerash type. Identifiers: Orphanet 139552, MedGen C1854023, MONDO:0011585, OMIM 605726.
Amyotrophic lateral sclerosis type 16. Also called: AMYOTROPHIC LATERAL SCLEROSIS 16, JUVENILE. Identifiers: Orphanet 300605, MedGen C3280587, MONDO:0013715, OMIM 614373.

Submission:

Labcorp Genetics (formerly Invitae), Labcorp
Classification: Uncertain significance for Autosomal recessive distal spinal muscular atrophy 2; Amyotrophic lateral sclerosis type 16. Last evaluated: 2022-10-18. Review status: criteria provided, single submitter. Criteria: Invitae Variant Classification Sherloc (09022015). Collection method: clinical testing. Allele origin: germline.
Comment: This variant is not present in population databases (gnomAD no frequency). This variant has not been reported in the literature in individuals affected with SIGMAR1-related conditions. ClinVar contains an entry for this variant (Variation ID: 567953). Algorithms developed to predict the effect of missense changes on protein structure and function (SIFT, PolyPhen-2, Align-GVGD) all suggest that this variant is likely to be tolerated. In summary, the available evidence is currently insufficient to determine the role of this variant in disease. Therefore, it has been classified as a Variant of Uncertain Significance. This sequence change replaces valine, which is neutral and non-polar, with leucine, which is neutral and non-polar, at codon 21 of the SIGMAR1 protein (p.Val21Leu).